The following is an entry in ClinVar:

NM_005918.4(MDH2):c.791A>T (p.Asp264Val)

Gene: MDH2 (malate dehydrogenase 2; plus strand). Cytogenetic location: 7q11.23.
Variant type: single nucleotide variant.
Coding change: c.791A>T on transcript NM_005918.4 (MANE Select); coding-DNA position 791, A replaced by T.
Protein change: p.Asp264Val; replaces aspartic acid 264 with valine.
Molecular consequence: missense variant.
Genome position (GRCh38, 1-based): chr7:76,064,859, A>T. VCF-style: chr7-76064859-A-T. GRCh37 (hg19) VCF-style: chr7-75694177-A-T.
Other names: c.665A>T, p.Asp222Val (NM_001282403.2); c.470A>T, p.Asp157Val (NM_001282404.2); short protein forms D264V, D157V, D222V.
Identifiers: ClinVar variation 2625190 (VCV002625190.2), dbSNP rs2535873164, ClinGen allele CA367768263.

ClinVar aggregate classification (germline): Uncertain significance (1 of 4 stars; one submission).

Conditions:
Inborn genetic diseases. Identifiers: MedGen C0950123, MeSH D030342.

Submission:

Ambry Genetics
Classification: Uncertain significance for Inborn genetic diseases. Last evaluated: 2023-08-29. Review status: criteria provided, single submitter. Criteria: Ambry Variant Classification Scheme 2023. Collection method: clinical testing. Allele origin: germline.
Comment: The p.D264V variant (also known as c.791A>T), located in coding exon 8 of the MDH2 gene, results from an A to T substitution at nucleotide position 791. The aspartic acid at codon 264 is replaced by valine, an amino acid with highly dissimilar properties. This amino acid position is conserved. In addition, this alteration is predicted to be deleterious by in silico analysis. Since supporting evidence is limited at this time, the clinical significance of this alteration remains unclear.